The following is an entry in ClinVar:

NM_001127222.2(CACNA1A):c.3884T>A (p.Met1295Lys)

Genes: CACNA1A (calcium voltage-gated channel subunit alpha1 A; minus strand), LOC126862865 (CDK7 strongly-dependent group 2 enhancer GRCh37_chr19:13385818-13387017; plus strand). Cytogenetic location: 19p13.13.
Variant type: single nucleotide variant.
Coding change: c.3884T>A on transcript NM_001127222.2 (MANE Select); coding-DNA position 3884, T replaced by A.
Protein change: p.Met1295Lys; replaces methionine 1295 with lysine.
Molecular consequence: missense variant.
Genome position (GRCh38, 1-based): chr19:13,275,955, A>T on the plus strand (T>A on the coding strand, the complement: CACNA1A is on the minus strand). VCF-style: chr19-13275955-A-T. GRCh37 (hg19) VCF-style: chr19-13386769-A-T.
Other names: c.3896T>A, p.Met1299Lys (NM_000068.4, NM_023035.3); c.3887T>A, p.Met1296Lys (NM_001127221.2, NM_001174080.2); short protein forms M1295K, M1296K, M1299K.
Identifiers: ClinVar variation 3774190 (VCV003774190.2).

ClinVar aggregate classification (germline): Uncertain significance (1 of 4 stars; one submission).

Submission:

GeneDx
Classification: Uncertain significance. Last evaluated: 2026-07-05. Review status: criteria provided, single submitter. Criteria: GeneDx Variant Classification Process June 2021. Collection method: clinical testing. Allele origin: germline.
Comment: Not observed at significant frequency in large population cohorts (gnomAD); In silico analysis supports that this missense variant has a deleterious effect on protein structure/function; In silico analysis supports a deleterious effect on splicing; Has not been previously published as pathogenic or benign to our knowledge